The following is an entry in ClinVar:

NM_015634.4(KIFBP):c.961C>G (p.Leu321Val)

Gene: KIFBP (kinesin family binding protein; plus strand). Cytogenetic location: 10q22.1.
Variant type: single nucleotide variant.
Coding change: c.961C>G on transcript NM_015634.4 (MANE Select); coding-DNA position 961, C replaced by G.
Protein change: p.Leu321Val; replaces leucine 321 with valine.
Molecular consequence: missense variant.
Genome position (GRCh38, 1-based): chr10:69,010,986, C>G. VCF-style: chr10-69010986-C-G. GRCh37 (hg19) VCF-style: chr10-70770742-C-G.
Other names: short protein forms L321V.
Identifiers: ClinVar variation 1302272 (VCV001302272.2), dbSNP rs200525249, ClinGen allele CA5529803.

ClinVar aggregate classification (germline): Uncertain significance (1 of 4 stars; one submission).

Allele frequency attached by ClinVar (database versions not stated): gnomAD 0.00005 and 0.00006; TOPMed 0.00009; ExAC 0.00017; gnomAD exomes 0.00020; 1000 Genomes Project 0.00040; 1000 Genomes Project 30x 0.00047.
gnomAD v4.1: 70 of 1,613,870 alleles (0.0043%); highest among the groups gnomAD compares: Admixed American, 0.088%; no homozygotes.

Submission:

GeneDx
Classification: Uncertain significance. Last evaluated: 2019-07-11. Review status: criteria provided, single submitter. Criteria: GeneDx Variant Classification Process June 2021. Collection method: clinical testing. Allele origin: germline. Affected: yes.
Comment: In silico analysis, which includes protein predictors and evolutionary conservation, supports that this variant does not alter protein structure/function; Has not been previously published as pathogenic or benign to our knowledge